The following is an entry in ClinVar:

ClinVar aggregate classification (germline): Pathogenic (1 of 4 stars; one submission).

Submission:

Labcorp Genetics (formerly Invitae), Labcorp
Classification: Pathogenic. Last evaluated: 2022-02-08. Review status: criteria provided, single submitter. Criteria: Invitae Variant Classification Sherloc (09022015). Collection method: clinical testing. Allele origin: germline.
Comment: This variant is not present in population databases (gnomAD no frequency). For these reasons, this variant has been classified as Pathogenic. ClinVar contains an entry for this variant (Variation ID: 1071244). This variant has not been reported in the literature in individuals affected with CHM-related conditions. This sequence change creates a premature translational stop signal (p.Val524Cysfs*13) in the CHM gene. It is expected to result in an absent or disrupted protein product. Loss-of-function variants in CHM are known to be pathogenic (PMID: 9067750, 23811034).

Literature cited by the submitters: PubMed 9067750; PubMed 23811034.

NM_000390.4(CHM):c.1569del (p.Val524fs)

Gene: CHM (CHM Rab escort protein; minus strand). Cytogenetic location: Xq21.2.
Variant type: Deletion.
Coding change: c.1569del on transcript NM_000390.4 (MANE Select); coding-DNA position 1569, one base deleted (T; older notation c.1569delT).
Protein change: p.Val524fs; shifts the reading frame from valine 524.
Molecular consequence: frameshift variant.
Genome position (GRCh38, 1-based): chrX:85,879,005, A deleted on the plus strand (T on the coding strand, the reverse complement: CHM is on the minus strand); the first of 2 consecutive A bases (chrX:85,879,005-85,879,006); deleting either gives the same sequence. VCF-style (leftmost placement, unchanged base first): chrX-85879004-CA-C. GRCh37 (hg19) VCF-style: chrX-85134009-CA-C.
Other names: c.1125del, p.Val376fs (NM_001320959.1, NM_001362517.1, NM_001362518.2 and 1 more transcripts); short protein forms V376fs, V524fs.
Identifiers: ClinVar variation 1071244 (VCV001071244.7), dbSNP rs2148126410, ClinGen allele CA2499226898.